The following is an entry in ClinVar:

ClinVar aggregate classification (germline): Uncertain significance (1 of 4 stars; one submission).

Submission:

GeneDx
Classification: Uncertain significance. Last evaluated: 2023-02-18. Review status: criteria provided, single submitter. Criteria: GeneDx Variant Classification Process June 2021. Collection method: clinical testing. Allele origin: germline. Affected: yes.
Comment: Has not been previously published as pathogenic or benign to our knowledge; In silico analysis supports that this missense variant does not alter protein structure/function; Not observed at significant frequency in large population cohorts (gnomAD); Variants in candidate genes are classified as variants of uncertain significance in accordance with ACMG guidelines (Richards et al., 2015)

NM_000809.4(GABRA4):c.634G>A (p.Val212Ile)

Gene: GABRA4 (gamma-aminobutyric acid type A receptor subunit alpha4; minus strand). Cytogenetic location: 4p12.
Variant type: single nucleotide variant.
Coding change: c.634G>A on transcript NM_000809.4 (MANE Select); coding-DNA position 634, G replaced by A.
Protein change: p.Val212Ile; replaces valine 212 with isoleucine.
Molecular consequence: missense variant.
Genome position (GRCh38, 1-based): chr4:46,974,319, C>T on the plus strand (G>A on the coding strand, the complement: GABRA4 is on the minus strand). VCF-style: chr4-46974319-C-T. GRCh37 (hg19) VCF-style: chr4-46976336-C-T.
Other names: c.577G>A, p.Val193Ile (NM_001204266.2, NM_001204267.2); short protein forms V193I, V212I.
Identifiers: ClinVar variation 3342750 (VCV003342750.1).